The following is an entry in ClinVar:

ClinVar aggregate classification (germline): Uncertain significance (1 of 4 stars; one submission).

Conditions:
Hereditary cancer-predisposing syndrome. Also called: Neoplastic Syndromes, Hereditary; Hereditary Cancer Syndrome; Hereditary neoplastic syndrome; Tumor predisposition. Identifiers: Orphanet 140162, MedGen C0027672, MeSH D009386, MONDO:0015356.

gnomAD v4.1: 1 of 1,612,822 alleles (0.000062%); highest among the groups gnomAD compares: Non-Finnish European, 0.000085%; no homozygotes.

Submission:

Ambry Genetics
Classification: Uncertain significance for Hereditary cancer-predisposing syndrome. Last evaluated: 2026-03-22. Review status: criteria provided, single submitter. Criteria: Ambry Variant Classification Scheme 2023. Collection method: clinical testing. Allele origin: germline.
Comment: The p.T442P variant (also known as c.1324A>C), located in coding exon 12 of the FANCC gene, results from an A to C substitution at nucleotide position 1324. The threonine at codon 442 is replaced by proline, an amino acid with highly similar properties. This amino acid position is conserved. In addition, the in silico prediction for this alteration is inconclusive. Based on the available evidence, the clinical significance of this variant remains unclear.

NM_000136.3(FANCC):c.1324A>C (p.Thr442Pro)

Genes: AOPEP (aminopeptidase O (putative); plus strand), FANCC (FA complementation group C; minus strand). Cytogenetic location: 9q22.32.
Variant type: single nucleotide variant.
Coding change: c.1324A>C on transcript NM_000136.3 (MANE Select); coding-DNA position 1324, A replaced by C.
Protein change: p.Thr442Pro; replaces threonine 442 with proline.
Molecular consequence: missense variant.
Genome position (GRCh38, 1-based): chr9:95,111,468, T>G on the plus strand (A>C on the coding strand, the complement: FANCC is on the minus strand). VCF-style: chr9-95111468-T-G. GRCh37 (hg19) VCF-style: chr9-97873750-T-G.
Other names: c.1324A>C, p.Thr442Pro (NM_001243743.2, NM_001243744.2); short protein forms T442P.
Identifiers: ClinVar variation 4870940 (VCV004870940.1).